The following is an entry in ClinVar:

ClinVar aggregate classification (germline): Uncertain significance (1 of 4 stars; one submission).

Conditions:
SHORT syndrome. Also called: LIPODYSTROPHY, PARTIAL, WITH RIEGER ANOMALY AND SHORT STATURE; PIK3R1-Related SHORT Syndrome; SHORT STATURE, HYPEREXTENSIBILITY, HERNIA, OCULAR DEPRESSION, RIEGER ANOMALY, AND TEETHING DELAY. Identifiers: Orphanet 3163, MedGen C0878684, MONDO:0010026, OMIM 269880.
Agammaglobulinemia 7, autosomal recessive (AGM7). Also called: AGAMMAGLOBULINEMIA, AUTOSOMAL RECESSIVE, DUE TO PIK3R1 DEFECT. Identifiers: MedGen C3554689, MONDO:0014083, OMIM 615214.
Immunodeficiency 36 with lymphoproliferation. Also called: Immunodeficiency 36; ACTIVATED PI3K-DELTA SYNDROME 2; Activated PI3K Delta Syndrome Type 2 (APDS2). Identifiers: Orphanet 397596, Orphanet 693681, MedGen C4014934, MONDO:0014453, OMIM 616005.

Submission:

Labcorp Genetics (formerly Invitae), Labcorp
Classification: Uncertain significance for SHORT syndrome; Immunodeficiency 36 with lymphoproliferation; Agammaglobulinemia 7, autosomal recessive. Last evaluated: 2023-11-21. Review status: criteria provided, single submitter. Criteria: Invitae Variant Classification Sherloc (09022015). Collection method: clinical testing. Allele origin: germline.
Comment: This sequence change replaces aspartic acid, which is acidic and polar, with glycine, which is neutral and non-polar, at codon 281 of the PIK3R1 protein (p.Asp281Gly). This variant is not present in population databases (gnomAD no frequency). This variant has not been reported in the literature in individuals affected with PIK3R1-related conditions. An algorithm developed to predict the effect of missense changes on protein structure and function (PolyPhen-2) suggests that this variant is likely to be tolerated. In summary, the available evidence is currently insufficient to determine the role of this variant in disease. Therefore, it has been classified as a Variant of Uncertain Significance.

NM_181523.3(PIK3R1):c.842A>G (p.Asp281Gly)

Gene: PIK3R1 (phosphoinositide-3-kinase regulatory subunit 1; plus strand). Cytogenetic location: 5q13.1.
Variant type: single nucleotide variant.
Coding change: c.842A>G on transcript NM_181523.3 (MANE Select); coding-DNA position 842, A replaced by G.
Protein change: p.Asp281Gly; replaces aspartic acid 281 with glycine.
Molecular consequence: missense variant.
Genome position (GRCh38, 1-based): chr5:68,280,932, A>G. VCF-style: chr5-68280932-A-G. GRCh37 (hg19) VCF-style: chr5-67576760-A-G.
Other names: short protein forms D281G.
Identifiers: ClinVar variation 2954101 (VCV002954101.3), dbSNP rs2530953777, ClinGen allele CA359875770.